The following is an entry in ClinVar:

ClinVar aggregate classification (germline): Likely benign (1 of 4 stars; one submission).

Submission:

CeGaT Center for Human Genetics Tuebingen
Classification: Likely benign. Last evaluated: 2026-05-01. Review status: criteria provided, single submitter. Criteria: CeGaT Center For Human Genetics Tuebingen Variant Classification Criteria Version 2. Collection method: clinical testing. Allele origin: germline. Affected: yes. Observed: 1 variant allele.
Comment: SLC6A8: PM2:Supporting, BP4, BP7

NM_005629.4(SLC6A8):c.1719G>C (p.Pro573=)

Gene: SLC6A8 (solute carrier family 6 member 8; plus strand). Cytogenetic location: Xq28.
Variant type: single nucleotide variant.
Coding change: c.1719G>C on transcript NM_005629.4 (MANE Select); coding-DNA position 1719, G replaced by C.
Protein change: p.Pro573=; no amino-acid change (proline 573 retained).
Molecular consequence: synonymous variant.
Genome position (GRCh38, 1-based): chrX:153,694,841, G>C. VCF-style: chrX-153694841-G-C. GRCh37 (hg19) VCF-style: chrX-152960296-G-C.
Other names: c.1689G>C, p.Pro563= (NM_001142805.2); c.1374G>C, p.Pro458= (NM_001142806.1).
Identifiers: ClinVar variation 4873865 (VCV004873865.2).